The following is an entry in ClinVar:

ClinVar aggregate classification (germline): Pathogenic (1 of 4 stars; one submission).

Submission:

Labcorp Genetics (formerly Invitae), Labcorp
Classification: Pathogenic. Last evaluated: 2022-11-24. Review status: criteria provided, single submitter. Criteria: Invitae Variant Classification Sherloc (09022015). Collection method: clinical testing. Allele origin: germline.
Comment: For these reasons, this variant has been classified as Pathogenic. This variant has not been reported in the literature in individuals affected with SZT2-related conditions. This variant is not present in population databases (gnomAD no frequency). This sequence change creates a premature translational stop signal (p.Gln958*) in the SZT2 gene. It is expected to result in an absent or disrupted protein product. Loss-of-function variants in SZT2 are known to be pathogenic (PMID: 23932106, 27248490, 28556953).

Literature cited by the submitters: PubMed 23932106; PubMed 27248490; PubMed 28556953.

NM_001365999.1(SZT2):c.2872C>T (p.Gln958Ter)

Gene: SZT2 (SZT2 subunit of KICSTOR complex; plus strand). Cytogenetic location: 1p34.2.
Variant type: single nucleotide variant.
Coding change: c.2872C>T on transcript NM_001365999.1 (MANE Select); coding-DNA position 2872, C replaced by T.
Protein change: p.Gln958Ter; replaces glutamine 958 with a stop codon.
Molecular consequence: nonsense.
Genome position (GRCh38, 1-based): chr1:43,425,892, C>T. VCF-style: chr1-43425892-C-T. GRCh37 (hg19) VCF-style: chr1-43891563-C-T.
Other names: c.2872C>T, p.Gln958Ter (NM_015284.4); short protein forms Q958*.
Identifiers: ClinVar variation 2814922 (VCV002814922.3), dbSNP rs2545816515, ClinGen allele CA340015724.